The following is an entry in ClinVar:

NM_032634.4(PIGO):c.91dup (p.Thr31fs)

Gene: PIGO (phosphatidylinositol glycan anchor biosynthesis class O; minus strand). Cytogenetic location: 9p13.3.
Variant type: Duplication.
Coding change: c.91dup on transcript NM_032634.4 (MANE Select); coding-DNA position 91, one base duplicated (A; older notation c.91dupA).
Protein change: p.Thr31fs; shifts the reading frame from threonine 31.
Molecular consequence: frameshift variant.
Genome position (GRCh38, 1-based): chr9:35,095,475, T duplicated on the plus strand (A on the coding strand, the reverse complement: PIGO is on the minus strand). VCF-style (leftmost placement, unchanged base first): chr9-35095474-G-GT. GRCh37 (hg19) VCF-style: chr9-35095471-G-GT.
Other names: c.91dup, p.Thr31fs (NM_001201484.2, NM_152850.4); short protein forms T31fs.
Identifiers: ClinVar variation 645706 (VCV000645706.6), dbSNP rs1587178357, ClinGen allele CA915947451.

ClinVar aggregate classification (germline): Pathogenic (1 of 4 stars; one submission).

Conditions:
Hyperphosphatasia with impaired intellectual development syndrome 2. Also called: Hyperphosphatasia with intellectual disability syndrome 2; GLYCOSYLPHOSPHATIDYLINOSITOL BIOSYNTHESIS DEFECT 6. Identifiers: Orphanet 247262, MedGen C3553637, MONDO:0013882, OMIM 614749.

Submission:

Labcorp Genetics (formerly Invitae), Labcorp
Classification: Pathogenic for Hyperphosphatasia with impaired intellectual development syndrome 2. Last evaluated: 2018-12-24. Review status: criteria provided, single submitter. Criteria: Invitae Variant Classification Sherloc (09022015). Collection method: clinical testing. Allele origin: germline.
Comment: For these reasons, this variant has been classified as Pathogenic. Loss-of-function variants in PIGO are known to be pathogenic (PMID: 22683086, 24417746). This variant has not been reported in the literature in individuals with PIGO-related conditions. This variant is not present in population databases (ExAC no frequency). This sequence change creates a premature translational stop signal (p.Thr31Asnfs*9) in the PIGO gene. It is expected to result in an absent or disrupted protein product.

Literature cited by the submitters: PubMed 22683086; PubMed 24417746.